The following is an entry in ClinVar:

NM_033380.3(COL4A5):c.1612C>T (p.Pro538Ser)

Gene: COL4A5 (collagen type IV alpha 5 chain; plus strand). Cytogenetic location: Xq22.3.
Variant type: single nucleotide variant.
Coding change: c.1612C>T on transcript NM_033380.3 (MANE Select); coding-DNA position 1612, C replaced by T.
Protein change: p.Pro538Ser; replaces proline 538 with serine.
Molecular consequence: missense variant.
Genome position (GRCh38, 1-based): chrX:108,597,401, C>T. VCF-style: chrX-108597401-C-T. GRCh37 (hg19) VCF-style: chrX-107840631-C-T.
Other names: c.1612C>T, p.Pro538Ser (NM_000495.5); short protein forms P538S.
Identifiers: ClinVar variation 1302394 (VCV001302394.2), dbSNP rs2147810008, ClinGen allele CA413845244.

ClinVar aggregate classification (germline): Uncertain significance (1 of 4 stars; one submission).

Submission:

GeneDx
Classification: Uncertain significance. Last evaluated: 2020-12-31. Review status: criteria provided, single submitter. Criteria: GeneDx Variant Classification Process June 2021. Collection method: clinical testing. Allele origin: germline. Affected: yes.
Comment: Not observed in large population cohorts (Lek et al., 2016); In silico analysis supports that this missense variant does not alter protein structure/function; Occurs in the triple helical domain at the X position in the canonical Gly-X-Y repeat; although this variant may have an effect on normal protein folding and function, missense substitution at the X position is not a common mechanism of disease; Has not been previously published as pathogenic or benign to our knowledge